The following is an entry in ClinVar:

ClinVar aggregate classification (germline): Conflicting classifications of pathogenicity. Review status: criteria provided, conflicting classifications (1 of 4 stars). 3 submissions from 3 submitters: Pathogenic (1); Likely pathogenic (1); Uncertain significance (1). Last evaluated 2024-03-08.

Conditions:
Mucopolysaccharidosis type 1. Also called: IDUA deficiency; MPS I; Mucopolysaccharidosis Type I. Identifiers: Orphanet 579, MedGen C0023786, MONDO:0001586.
Hurler syndrome. Also called: MUCOPOLYSACCHARIDOSIS TYPE IH; Severe MPS I (Hurler Syndrome); Gargoylism, Hurler Syndrome. Identifiers: Orphanet 93473, MedGen C0086795, MONDO:0011758, OMIM 607014.

Submissions (3):

Pittsburgh Clinical Genomics Laboratory, University of Pittsburgh Medical Center
Classification: Uncertain significance for Hurler syndrome. Last evaluated: 2024-03-08. Review status: criteria provided, single submitter. Criteria: ACMG Guidelines, 2015. Collection method: clinical testing. Allele origin: germline. Inheritance: Autosomal recessive inheritance. Affected: yes.
Comment: This sequence variant is a 6-nucleotide deletion at position 326 of the coding sequence of the IDUA gene and results in the deletion of amino acids Tyr109 and Asn110. This variant has not been observed in an individual affected by an IDUA-related disorder in the published literature, to our knowledge. This variant has been listed in Clinvar (ClinVar 2142765) and it is present in 2 of 627420 alleles (0.00032%) in the gnomAD v4.0.0 population dataset. Althought the Asn110 amino acid has been reported as a protein glycosylation site (PMID: 19159218, 23959878, 24036510), and missense changes in both the Tyr109 and Asn110 amino acids have previously been identified in individuals with mucopolysaccharidosis type I (PMID: 31386236, 31194252), studies examining the functional consequence of this specific variant have not been published, to our knowledge. At this time, there is insufficient evidence to determine if this variant is pathogenic or benign. Therefore, we consider this a variant of uncertain significance. ACMG Criteria: PM2, PM4

Labcorp Genetics (formerly Invitae), Labcorp
Classification: Pathogenic for Mucopolysaccharidosis type 1. Last evaluated: 2023-11-28. Review status: criteria provided, single submitter. Criteria: Invitae Variant Classification Sherloc (09022015). Collection method: clinical testing. Allele origin: germline.
Comment: This variant, c.326_331del, results in the deletion of 2 amino acid(s) of the IDUA protein (p.Tyr109_Asn110del), but otherwise preserves the integrity of the reading frame. This variant is present in population databases (no rsID available, gnomAD 0.0009%). This variant has not been reported in the literature in individuals affected with IDUA-related conditions. ClinVar contains an entry for this variant (Variation ID: 2142765). This variant disrupts a region of the IDUA protein in which other variant(s) (p.Tyr109His) have been determined to be pathogenic (PMID: 31386236). This suggests that this is a clinically significant region of the protein, and that variants that disrupt it are likely to be disease-causing. For these reasons, this variant has been classified as Pathogenic.

Women's Health and Genetics/Laboratory Corporation of America, LabCorp
Classification: Likely pathogenic for Mucopolysaccharidosis type 1. Last evaluated: 2023-05-01. Review status: criteria provided, single submitter. Criteria: LabCorp Variant Classification Summary - May 2015. Collection method: clinical testing. Allele origin: germline.
Comment: Variant summary: IDUA c.326_331delACAACT (p.Tyr109_Asn110del) results in an in-frame deletion that is predicted to remove 2 amino acids from the encoded protein. The variant allele was found at a frequency of 4e-06 in 250358 control chromosomes (gnomAD). The available data on variant occurrences in the general population are insufficient to allow any conclusion about variant significance. To our knowledge, no occurrence of c.326_331delACAACT in individuals affected with Mucopolysaccharidosis Type 1 and no experimental evidence demonstrating its impact on protein function have been reported. However, missense variants affecting the residues that are deleted by this variant have been reported in Mucopolysaccharidosis Type 1 patients in the literature; i.e. in 5 homozygotes with Y109H, who had intermediate (Hurler-Scheie syndrome) phenotype (Taghikhani_2019), and 2 in compound heterozygous patients with the N110D/Q70X genotype, who had severe (Hurler syndrome) phenotype (Clarke_2019). These reports suggest that other variants altering these residues might be also associated with disease. In addition, the N110 residue, was reported as a protein glycosylation site (e.g. Maita_2013, Bie_2013). The following publications have been ascertained in the context of this evaluation (PMID: 31386236, 31194252, 23959878 , 24036510). One clinical diagnostic laboratory has submitted clinical-significance assessments for this variant to ClinVar after 2014, and classified the variant as pathogenic. Based on the evidence outlined above, the variant was classified as likely pathogenic.

Literature cited by the submitters: PubMed 31194252 (cited by Pittsburgh Clinical Genomics Laboratory, University of Pittsburgh Medical Center and Women's Health and Genetics/Laboratory Corporation of America, LabCorp); PubMed 19159218 (cited by Pittsburgh Clinical Genomics Laboratory, University of Pittsburgh Medical Center); PubMed 31386236 (cited by 3 submitters); PubMed 24036510 (cited by Pittsburgh Clinical Genomics Laboratory, University of Pittsburgh Medical Center and Women's Health and Genetics/Laboratory Corporation of America, LabCorp); PubMed 23959878 (cited by Pittsburgh Clinical Genomics Laboratory, University of Pittsburgh Medical Center and Women's Health and Genetics/Laboratory Corporation of America, LabCorp).

NM_000203.5(IDUA):c.326_331del (p.Tyr109_Asn110del)

Gene: IDUA (alpha-L-iduronidase; plus strand). Cytogenetic location: 4p16.3.
Variant type: Deletion.
Coding change: c.326_331del on transcript NM_000203.5 (MANE Select); coding-DNA positions 326 to 331, 6 bases deleted (ACAACT; older notation c.326_331delACAACT).
Protein change: p.Tyr109_Asn110del.
Molecular consequence: inframe deletion. On other transcripts: 5 prime UTR variant (1), non-coding transcript variant (1).
Genome position (GRCh38, 1-based): chr4:1,000,638-1,000,643, ACAACT deleted; deleting any 6 consecutive bases within chr4:1,000,636-1,000,643 gives the same sequence; the c. name uses the placement nearest the transcript's 3' end. VCF-style (leftmost placement, unchanged base first): chr4-1000635-GCTACAA-G. GRCh37 (hg19) VCF-style: chr4-994423-GCTACAA-G.
Other names: c.326_331delACAACT (NM_000203.4); c.-71_-66del (NM_001363576.1).
Identifiers: ClinVar variation 2142765 (VCV002142765.6), dbSNP rs1470115977, ClinGen allele CA549265045.